The following is an entry in ClinVar:

ClinVar aggregate classification (germline): Uncertain significance (1 of 4 stars; one submission).

Conditions:
Cardiovascular phenotype. Identifiers: MedGen CN230736.

Allele frequency attached by ClinVar (database versions not stated): TOPMed below 0.00001; ExAC 0.00001; gnomAD 0.00001; gnomAD exomes 0.00001.
gnomAD v4.1: 10 of 1,614,178 alleles (0.00062%); highest among the groups gnomAD compares: East Asian, 0.0022%; no homozygotes.

Submission:

Ambry Genetics
Classification: Uncertain significance for Cardiovascular phenotype. Last evaluated: 2025-12-16. Review status: criteria provided, single submitter. Criteria: Ambry Variant Classification Scheme 2023. Collection method: clinical testing. Allele origin: germline.
Comment: The p.T3756I variant (also known as c.11267C>T), located in coding exon 46 of the AKAP9 gene, results from a C to T substitution at nucleotide position 11267. The threonine at codon 3756 is replaced by isoleucine, an amino acid with similar properties. This amino acid position is well conserved in available vertebrate species. In addition, this alteration is predicted to be tolerated by in silico analysis. Since supporting evidence is limited at this time, the clinical significance of this alteration remains unclear.

NM_005751.5(AKAP9):c.11267C>T (p.Thr3756Ile)

Gene: AKAP9 (A-kinase anchoring protein 9; plus strand). Cytogenetic location: 7q21.2.
Variant type: single nucleotide variant.
Coding change: c.11267C>T on transcript NM_005751.5 (MANE Select); coding-DNA position 11267, C replaced by T.
Protein change: p.Thr3756Ile; replaces threonine 3756 with isoleucine.
Molecular consequence: missense variant.
Genome position (GRCh38, 1-based): chr7:92,102,763, C>T. VCF-style: chr7-92102763-C-T. GRCh37 (hg19) VCF-style: chr7-91732077-C-T.
Other names: c.5912C>T, p.Thr1971Ile (NM_001379277.1); c.11243C>T, p.Thr3748Ile (NM_147185.3); short protein forms T3748I, T3756I, T1971I.
Identifiers: ClinVar variation 1799096 (VCV001799096.3), dbSNP rs745614058, ClinGen allele CA4338129.
Genomic context (GRCh38, chr7:92,102,763, plus strand): 5'-CCTTGGCCCTGCTTGCCCGGATGGGGGGGCAGCCAGCTTTCACGGATCTAGAGGTGATCA[C>T]CAATCGCCCAAAGGGCTTCACCAGGTTTCGGTCGGCCGTCAGAGTATCCATTGCAATTTC-3'
Protein context (NP_005742.4, residues 3746-3766): QPAFTDLEVI[Thr3756Ile]NRPKGFTRFR